The following is an entry in ClinVar:

ClinVar aggregate classification (germline): Uncertain significance (1 of 4 stars; one submission).

Submission:

Labcorp Genetics (formerly Invitae), Labcorp
Classification: Uncertain significance. Last evaluated: 2022-05-21. Review status: criteria provided, single submitter. Criteria: Invitae Variant Classification Sherloc (09022015). Collection method: clinical testing. Allele origin: germline.
Comment: This sequence change falls in intron 1 of the IL18BP gene. It does not directly change the encoded amino acid sequence of the IL18BP protein. This variant is not present in population databases (gnomAD no frequency). This variant has not been reported in the literature in individuals affected with IL18BP-related conditions. Experimental studies and prediction algorithms are not available or were not evaluated, and the effect of this variant on mRNA splicing is currently unknown. In summary, the available evidence is currently insufficient to determine the role of this variant in disease. Therefore, it has been classified as a Variant of Uncertain Significance.

NM_001039660.2(IL18BP):c.29-19G>C

Gene: IL18BP (interleukin 18 binding protein; plus strand). Cytogenetic location: 11q13.4.
Variant type: single nucleotide variant.
Coding change: c.29-19G>C on transcript NM_001039660.2 (MANE Select); 19 bases into the intron before coding-DNA position 29, G replaced by C.
Molecular consequence: intron variant.
Genome position (GRCh38, 1-based): chr11:72,000,332, G>C. VCF-style: chr11-72000332-G-C. GRCh37 (hg19) VCF-style: chr11-71711378-G-C.
Other names: c.29-19G>C (NM_001039659.2, NM_173044.3, NM_005699.3 and 3 more transcripts).
Identifiers: ClinVar variation 1972978 (VCV001972978.5), dbSNP rs371872703, ClinGen allele CA2580084835.